The following is an entry in ClinVar:

NM_173076.3(ABCA12):c.1141G>C (p.Val381Leu)

Gene: ABCA12 (ATP binding cassette subfamily A member 12; minus strand). Cytogenetic location: 2q35.
Variant type: single nucleotide variant.
Coding change: c.1141G>C on transcript NM_173076.3 (MANE Select); coding-DNA position 1141, G replaced by C.
Protein change: p.Val381Leu; replaces valine 381 with leucine.
Molecular consequence: missense variant. On other transcripts: non-coding transcript variant (1).
Genome position (GRCh38, 1-based): chr2:215,026,859, C>G on the plus strand (G>C on the coding strand, the complement: ABCA12 is on the minus strand). VCF-style: chr2-215026859-C-G. GRCh37 (hg19) VCF-style: chr2-215891583-C-G.
Other names: c.187G>C, p.Val63Leu (NM_015657.4); short protein forms V381L, V63L.
Identifiers: ClinVar variation 444550 (VCV000444550.53), dbSNP rs143513000, ClinGen allele CA2092331.

ClinVar aggregate classification (germline): Conflicting classifications of pathogenicity. Review status: criteria provided, conflicting classifications (1 of 4 stars). 5 submissions from 5 submitters: Uncertain significance (2); Likely benign (2). 1 of the submissions does not count toward it. Last evaluated 2026-03-23.

Conditions:
Inborn genetic diseases. Identifiers: MedGen C0950123, MeSH D030342.
ABCA12-related disorder. Also called: ABCA12-related condition.
Congenital ichthyosis of skin. Identifiers: MedGen C0020758.

Allele frequency attached by ClinVar (database versions not stated): 1000 Genomes Project 0.00060; 1000 Genomes Project 30x 0.00062; gnomAD exomes 0.00087 and 0.00183; ExAC 0.00093; TOPMed 0.00103; gnomAD 0.00105 and 0.00108; ESP Exome Variant Server 0.00177.
gnomAD v4.1: 2,822 of 1,613,596 alleles (0.17%); highest among the groups gnomAD compares: Non-Finnish European, 0.22%; 4 homozygotes.

Submissions (5):

Ambry Genetics
Classification: Likely benign for Inborn genetic diseases. Last evaluated: 2026-03-23. Review status: criteria provided, single submitter. Criteria: Ambry Variant Classification Scheme 2023. Collection method: clinical testing. Allele origin: germline.

Labcorp Genetics (formerly Invitae), Labcorp
Classification: Likely benign. Last evaluated: 2026-01-19. Review status: criteria provided, single submitter. Criteria: Invitae Variant Classification Sherloc (09022015). Collection method: clinical testing. Allele origin: germline.

Illumina Laboratory Services, Illumina
Classification: Uncertain significance for Congenital ichthyosis of skin. Last evaluated: 2018-01-12. Review status: criteria provided, single submitter. Criteria: ICSL Variant Classification Criteria 13 December 2019. Collection method: clinical testing. Allele origin: germline.

CeGaT Center for Human Genetics Tuebingen
Classification: Uncertain significance. Last evaluated: 2017-04-01. Review status: criteria provided, single submitter. Criteria: CeGaT Center For Human Genetics Tuebingen Variant Classification Criteria Version 2. Collection method: clinical testing. Allele origin: germline. Affected: yes. Observed: 1 variant allele.

PreventionGenetics, part of Exact Sciences
Classification: Likely benign for ABCA12-related condition. Last evaluated: 2022-02-28. Review status: no assertion criteria provided. Collection method: clinical testing. Allele origin: germline. Not counted in ClinVar's aggregate classification.
Comment: This variant is classified as likely benign based on ACMG/AMP sequence variant interpretation guidelines (Richards et al. 2015 PMID: 25741868, with internal and published modifications).